The following is an entry in ClinVar:

NM_001040108.2(MLH3):c.3404G>T (p.Ser1135Ile)

Gene: MLH3 (mutL homolog 3; minus strand). Cytogenetic location: 14q24.3.
Variant type: single nucleotide variant.
Coding change: c.3404G>T on transcript NM_001040108.2 (MANE Select); coding-DNA position 3404, G replaced by T.
Protein change: p.Ser1135Ile; replaces serine 1135 with isoleucine.
Molecular consequence: missense variant.
Genome position (GRCh38, 1-based): chr14:75,041,676, C>A on the plus strand (G>T on the coding strand, the complement: MLH3 is on the minus strand). VCF-style: chr14-75041676-C-A. GRCh37 (hg19) VCF-style: chr14-75508379-C-A.
Other names: c.3404G>T, p.Ser1135Ile (NM_014381.3); short protein forms S1135I.
Identifiers: ClinVar variation 1731108 (VCV001731108.2), dbSNP rs1595073793, ClinGen allele CA390430996.

ClinVar aggregate classification (germline): Uncertain significance (1 of 4 stars; one submission).

Allele frequency attached by ClinVar (database versions not stated): gnomAD exomes below 0.00001.
gnomAD v4.1: 1 of 1,613,952 alleles (0.000062%); highest among the groups gnomAD compares: Non-Finnish European, 0.000085%; no homozygotes.

Submission:

Ambry Genetics
Classification: Uncertain significance. Last evaluated: 2022-09-26. Review status: criteria provided, single submitter. Criteria: Ambry Variant Classification Scheme 2023. Collection method: clinical testing. Allele origin: germline.
Comment: The p.S1135I variant (also known as c.3404G>T), located in coding exon 3 of the MLH3 gene, results from a G to T substitution at nucleotide position 3404. The serine at codon 1135 is replaced by isoleucine, an amino acid with dissimilar properties. This amino acid position is conserved. In addition, this alteration is predicted to be tolerated by in silico analysis. Since supporting evidence is limited at this time, the clinical significance of this alteration remains unclear.